The following is an entry in ClinVar:

ClinVar aggregate classification (germline): Uncertain significance (1 of 4 stars; one submission).

Conditions:
Hyperphosphatasia with impaired intellectual development syndrome 2. Also called: Hyperphosphatasia with intellectual disability syndrome 2; GLYCOSYLPHOSPHATIDYLINOSITOL BIOSYNTHESIS DEFECT 6. Identifiers: Orphanet 247262, MedGen C3553637, MONDO:0013882, OMIM 614749.

Submission:

Labcorp Genetics (formerly Invitae), Labcorp
Classification: Uncertain significance for Hyperphosphatasia with impaired intellectual development syndrome 2. Last evaluated: 2022-08-10. Review status: criteria provided, single submitter. Criteria: Invitae Variant Classification Sherloc (09022015). Collection method: clinical testing. Allele origin: germline.
Comment: In summary, the available evidence is currently insufficient to determine the role of this variant in disease. Therefore, it has been classified as a Variant of Uncertain Significance. Algorithms developed to predict the effect of missense changes on protein structure and function are either unavailable or do not agree on the potential impact of this missense change (SIFT: "Deleterious"; PolyPhen-2: "Probably Damaging"; Align-GVGD: "Class C15"). ClinVar contains an entry for this variant (Variation ID: 1003005). This variant has not been reported in the literature in individuals affected with PIGO-related conditions. This variant is not present in population databases (gnomAD no frequency). This sequence change replaces aspartic acid, which is acidic and polar, with asparagine, which is neutral and polar, at codon 76 of the PIGO protein (p.Asp76Asn).

NM_032634.4(PIGO):c.226G>A (p.Asp76Asn)

Gene: PIGO (phosphatidylinositol glycan anchor biosynthesis class O; minus strand). Cytogenetic location: 9p13.3.
Variant type: single nucleotide variant.
Coding change: c.226G>A on transcript NM_032634.4 (MANE Select); coding-DNA position 226, G replaced by A.
Protein change: p.Asp76Asn; replaces aspartic acid 76 with asparagine.
Molecular consequence: missense variant.
Genome position (GRCh38, 1-based): chr9:35,095,340, C>T on the plus strand (G>A on the coding strand, the complement: PIGO is on the minus strand). VCF-style: chr9-35095340-C-T. GRCh37 (hg19) VCF-style: chr9-35095337-C-T.
Other names: c.226G>A, p.Asp76Asn (NM_001201484.2, NM_152850.4); short protein forms D76N.
Identifiers: ClinVar variation 1003005 (VCV001003005.8), dbSNP rs1829621859, ClinGen allele CA373324722.